The following is an entry in ClinVar:

NM_017780.4(CHD7):c.3964C>G (p.Leu1322Val)

Gene: CHD7 (chromodomain helicase DNA binding protein 7; plus strand). Cytogenetic location: 8q12.2.
Variant type: single nucleotide variant.
Coding change: c.3964C>G on transcript NM_017780.4 (MANE Select); coding-DNA position 3964, C replaced by G.
Protein change: p.Leu1322Val; replaces leucine 1322 with valine.
Molecular consequence: missense variant. On other transcripts: intron variant (1).
Genome position (GRCh38, 1-based): chr8:60,836,258, C>G. VCF-style: chr8-60836258-C-G. GRCh37 (hg19) VCF-style: chr8-61748817-C-G.
Other names: c.1717-25971C>G (NM_001316690.1); short protein forms L1322V.
Identifiers: ClinVar variation 1718551 (VCV001718551.5), dbSNP rs2487897001, ClinGen allele CA371316491.

ClinVar aggregate classification (germline): Uncertain significance (1 of 4 stars; one submission).

Conditions:
CHARGE syndrome (CHARGE). Also called: Hittner Hirsch Kreh syndrome; CHARGE ASSOCIATION--COLOBOMA, HEART ANOMALY, CHOANAL ATRESIA, RETARDATION, GENITAL AND EAR ANOMALIES; Coloboma, heart anomaly, choanal atresia, retardation, genital and ear anomalies; CHARGE association; Hall-Hittner syndrome. Identifiers: Orphanet 138, MedGen C0265354, MONDO:0008965.

Submission:

Labcorp Genetics (formerly Invitae), Labcorp
Classification: Uncertain significance for CHARGE syndrome. Last evaluated: 2022-09-01. Review status: criteria provided, single submitter. Criteria: Invitae Variant Classification Sherloc (09022015). Collection method: clinical testing. Allele origin: germline.
Comment: In summary, the available evidence is currently insufficient to determine the role of this variant in disease. Therefore, it has been classified as a Variant of Uncertain Significance. Advanced modeling of protein sequence and biophysical properties (such as structural, functional, and spatial information, amino acid conservation, physicochemical variation, residue mobility, and thermodynamic stability) performed at Invitae indicates that this missense variant is expected to disrupt CHD7 protein function. This variant has not been reported in the literature in individuals affected with CHD7-related conditions. This variant is not present in population databases (gnomAD no frequency). This sequence change replaces leucine, which is neutral and non-polar, with valine, which is neutral and non-polar, at codon 1322 of the CHD7 protein (p.Leu1322Val).